The following is an entry in ClinVar:

NM_001379500.1(COL18A1):c.3250-9C>G

Genes: COL18A1 (collagen type XVIII alpha 1 chain; plus strand), SLC19A1 (solute carrier family 19 member 1; minus strand). Cytogenetic location: 21q22.3.
Variant type: single nucleotide variant.
Coding change: c.3250-9C>G on transcript NM_001379500.1 (MANE Select); 9 bases into the intron before coding-DNA position 3250, C replaced by G.
Molecular consequence: intron variant.
Genome position (GRCh38, 1-based): chr21:45,509,347, C>G. VCF-style: chr21-45509347-C-G. GRCh37 (hg19) VCF-style: chr21-46929261-C-G.
Other names: c.3781-9C>G (NM_030582.3); c.4495-9C>G (NM_130444.3); c.3790-9C>G (NM_030582.4).
Identifiers: ClinVar variation 1383243 (VCV001383243.7), dbSNP rs778256556, ClinGen allele CA10067835.

ClinVar aggregate classification (germline): Uncertain significance. Review status: criteria provided, single submitter (1 of 4 stars). 2 submissions from 2 submitters: Uncertain significance (1). 1 of the submissions does not count toward it. Last evaluated 2023-11-28.

Conditions:
COL18A1-related disorder. Also called: COL18A1-related condition; COL18A1-related disorders.

Allele frequency attached by ClinVar (database versions not stated): gnomAD 0.00003; ExAC 0.00016.
gnomAD v4.1: 124 of 1,545,106 alleles (0.008%); highest among the groups gnomAD compares: Non-Finnish European, 0.0093%; 1 homozygote.

Submissions (3):

Labcorp Genetics (formerly Invitae), Labcorp
Classification: Uncertain significance. Last evaluated: 2023-11-28. Review status: criteria provided, single submitter. Criteria: Invitae Variant Classification Sherloc (09022015). Collection method: clinical testing. Allele origin: germline.
Comment: This sequence change falls in intron 38 of the COL18A1 gene. It does not directly change the encoded amino acid sequence of the COL18A1 protein. This variant is present in population databases (rs778256556, gnomAD 0.02%). This variant has not been reported in the literature in individuals affected with COL18A1-related conditions. ClinVar contains an entry for this variant (Variation ID: 1383243). Algorithms developed to predict the effect of sequence changes on RNA splicing suggest that this variant may disrupt the consensus splice site. In summary, the available evidence is currently insufficient to determine the role of this variant in disease. Therefore, it has been classified as a Variant of Uncertain Significance.

PreventionGenetics, part of Exact Sciences
Classification: Likely benign for COL18A1-related condition. Last evaluated: 2024-06-08. Review status: no assertion criteria provided. Collection method: clinical testing. Allele origin: germline. Not counted in ClinVar's aggregate classification.
Comment: This variant is classified as likely benign based on ACMG/AMP sequence variant interpretation guidelines (Richards et al. 2015 PMID: 25741868, with internal and published modifications).

Dr. Peter K. Rogan Lab, Western University
No classification provided (evidence only). Condition: Lung cancer. Review status: no classification provided. Collection method: in vitro. Allele origin: not applicable. Functional consequence: retained intron. Not counted in ClinVar's aggregate classification.